The following is an entry in ClinVar:

ClinVar aggregate classification (germline): Uncertain significance (1 of 4 stars; one submission).

Allele frequency attached by ClinVar (database versions not stated): gnomAD exomes below 0.00001.
gnomAD v4.1: 5 of 1,236,166 alleles (0.0004%); highest among the groups gnomAD compares: South Asian, 0.017%; no homozygotes.

Submission:

Labcorp Genetics (formerly Invitae), Labcorp
Classification: Uncertain significance. Last evaluated: 2023-08-30. Review status: criteria provided, single submitter. Criteria: Invitae Variant Classification Sherloc (09022015). Collection method: clinical testing. Allele origin: germline.
Comment: In summary, the available evidence is currently insufficient to determine the role of this variant in disease. Therefore, it has been classified as a Variant of Uncertain Significance. This sequence change replaces glutamic acid, which is acidic and polar, with glutamine, which is neutral and polar, at codon 2 of the SLC12A2 protein (p.Glu2Gln). This variant is not present in population databases (gnomAD no frequency). This variant has not been reported in the literature in individuals affected with SLC12A2-related conditions. Advanced modeling of protein sequence and biophysical properties (such as structural, functional, and spatial information, amino acid conservation, physicochemical variation, residue mobility, and thermodynamic stability) performed at Invitae indicates that this missense variant is not expected to disrupt SLC12A2 protein function.

NM_001046.3(SLC12A2):c.4G>C (p.Glu2Gln)

Genes: SLC12A2 (solute carrier family 12 member 2; plus strand), LOC129994526 (ATAC-STARR-seq lymphoblastoid silent region 16295; plus strand). Cytogenetic location: 5q23.3.
Variant type: single nucleotide variant.
Coding change: c.4G>C on transcript NM_001046.3 (MANE Select); coding-DNA position 4, G replaced by C.
Protein change: p.Glu2Gln; replaces glutamic acid 2 with glutamine.
Molecular consequence: missense variant. On other transcripts: non-coding transcript variant (1).
Genome position (GRCh38, 1-based): chr5:128,083,958, G>C. VCF-style: chr5-128083958-G-C. GRCh37 (hg19) VCF-style: chr5-127419650-G-C.
Other names: c.4G>C, p.Glu2Gln (NM_001256461.2); short protein forms E2Q.
Identifiers: ClinVar variation 2968184 (VCV002968184.3), dbSNP rs2480679879, ClinGen allele CA360735620.